The following is an entry in ClinVar:

ClinVar aggregate classification (germline): Uncertain significance (1 of 4 stars; one submission).

Allele frequency attached by ClinVar (database versions not stated): ExAC 0.00001; gnomAD 0.00003 and 0.00004; TOPMed 0.00004; ESP Exome Variant Server 0.00008.
gnomAD v4.1: 7 of 1,547,772 alleles (0.00045%); highest among the groups gnomAD compares: African/African-American, 0.01%; no homozygotes.

Submission:

Labcorp Genetics (formerly Invitae), Labcorp
Classification: Uncertain significance. Last evaluated: 2025-07-31. Review status: criteria provided, single submitter. Criteria: Invitae Variant Classification Sherloc (09022015). Collection method: clinical testing. Allele origin: germline.
Comment: This sequence change falls in intron 5 of the EYS gene. It does not directly change the encoded amino acid sequence of the EYS protein. The frequency data for this variant in the population databases is considered unreliable, as metrics indicate poor data quality at this position in the gnomAD database. This variant has not been reported in the literature in individuals affected with EYS-related conditions. ClinVar contains an entry for this variant (Variation ID: 1486289). Algorithms developed to predict the effect of sequence changes on RNA splicing suggest that this variant may disrupt the consensus splice site. In summary, the available evidence is currently insufficient to determine the role of this variant in disease. Therefore, it has been classified as a Variant of Uncertain Significance.

NM_001142800.2(EYS):c.863-15T>A

Gene: EYS (EGF-like photoreceptor maintenance factor; minus strand). Cytogenetic location: 6q12.
Variant type: single nucleotide variant.
Coding change: c.863-15T>A on transcript NM_001142800.2 (MANE Select); 15 bases into the intron before coding-DNA position 863, T replaced by A.
Molecular consequence: intron variant.
Genome position (GRCh38, 1-based): chr6:65,405,382, A>T on the plus strand (T>A on the coding strand, the complement: EYS is on the minus strand). VCF-style: chr6-65405382-A-T. GRCh37 (hg19) VCF-style: chr6-66115275-A-T.
Other names: c.863-15T>A (NM_001292009.2, NM_001142801.2, NM_198283.2).
Identifiers: ClinVar variation 1486289 (VCV001486289.6), dbSNP rs368478214, ClinGen allele CA3877946.